The following is an entry in ClinVar:

ClinVar aggregate classification (germline): Uncertain significance (1 of 4 stars; one submission).

Conditions:
Epileptic encephalopathy. Identifiers: MedGen C0543888, HP:0200134.

Allele frequency attached by ClinVar (database versions not stated): TOPMed below 0.00001.
gnomAD v4.1: 6 of 1,559,074 alleles (0.00038%); highest among the groups gnomAD compares: Middle Eastern, 0.021%; no homozygotes.

Submission:

Labcorp Genetics (formerly Invitae), Labcorp
Classification: Uncertain significance for Epileptic encephalopathy. Last evaluated: 2024-02-05. Review status: criteria provided, single submitter. Criteria: Invitae Variant Classification Sherloc (09022015). Collection method: clinical testing. Allele origin: germline.
Comment: This sequence change replaces arginine, which is basic and polar, with histidine, which is basic and polar, at codon 2138 of the FASN protein (p.Arg2138His). This variant is not present in population databases (gnomAD no frequency). This variant has not been reported in the literature in individuals affected with FASN-related conditions. An algorithm developed to predict the effect of missense changes on protein structure and function (PolyPhen-2) suggests that this variant is likely to be tolerated. In summary, the available evidence is currently insufficient to determine the role of this variant in disease. Therefore, it has been classified as a Variant of Uncertain Significance.

NM_004104.5(FASN):c.6413G>A (p.Arg2138His)

Gene: FASN (fatty acid synthase; minus strand). Cytogenetic location: 17q25.3.
Variant type: single nucleotide variant.
Coding change: c.6413G>A on transcript NM_004104.5 (MANE Select); coding-DNA position 6413, G replaced by A.
Protein change: p.Arg2138His; replaces arginine 2138 with histidine.
Molecular consequence: missense variant.
Genome position (GRCh38, 1-based): chr17:82,081,346, C>T on the plus strand (G>A on the coding strand, the complement: FASN is on the minus strand). VCF-style: chr17-82081346-C-T. GRCh37 (hg19) VCF-style: chr17-80039222-C-T.
Other names: short protein forms R2138H.
Identifiers: ClinVar variation 2704419 (VCV002704419.3), dbSNP rs867478422, ClinGen allele CA295203427.